The following is an entry in ClinVar:

ClinVar aggregate classification (germline): Uncertain significance (1 of 4 stars; one submission).

Submission:

Labcorp Genetics (formerly Invitae), Labcorp
Classification: Uncertain significance. Last evaluated: 2023-05-15. Review status: criteria provided, single submitter. Criteria: Invitae Variant Classification Sherloc (09022015). Collection method: clinical testing. Allele origin: germline.
Comment: In summary, the available evidence is currently insufficient to determine the role of this variant in disease. Therefore, it has been classified as a Variant of Uncertain Significance. Advanced modeling of protein sequence and biophysical properties (such as structural, functional, and spatial information, amino acid conservation, physicochemical variation, residue mobility, and thermodynamic stability) performed at Invitae indicates that this missense variant is not expected to disrupt SNRNP200 protein function. ClinVar contains an entry for this variant (Variation ID: 1713852). This variant has not been reported in the literature in individuals affected with SNRNP200-related conditions. This variant is not present in population databases (gnomAD no frequency). This sequence change replaces serine, which is neutral and polar, with alanine, which is neutral and non-polar, at codon 247 of the SNRNP200 protein (p.Ser247Ala).

NM_014014.5(SNRNP200):c.739T>G (p.Ser247Ala)

Gene: SNRNP200 (small nuclear ribonucleoprotein U5 subunit 200; minus strand). Cytogenetic location: 2q11.2.
Variant type: single nucleotide variant.
Coding change: c.739T>G on transcript NM_014014.5 (MANE Select); coding-DNA position 739, T replaced by G.
Protein change: p.Ser247Ala; replaces serine 247 with alanine.
Molecular consequence: missense variant.
Genome position (GRCh38, 1-based): chr2:96,298,958, A>C on the plus strand (T>G on the coding strand, the complement: SNRNP200 is on the minus strand). VCF-style: chr2-96298958-A-C. GRCh37 (hg19) VCF-style: chr2-96964696-A-C.
Other names: short protein forms S247A.
Identifiers: ClinVar variation 1713852 (VCV001713852.5), dbSNP rs2467352543, ClinGen allele CA347685561.